The following is an entry in ClinVar:

NM_003719.5(PDE8B):c.914A>G (p.His305Arg)

Gene: PDE8B (phosphodiesterase 8B; plus strand). Cytogenetic location: 5q13.3.
Variant type: single nucleotide variant.
Coding change: c.914A>G on transcript NM_003719.5 (MANE Select); coding-DNA position 914, A replaced by G.
Protein change: p.His305Arg; replaces histidine 305 with arginine.
Molecular consequence: missense variant. On other transcripts: intron variant (9).
Genome position (GRCh38, 1-based): chr5:77,349,456, A>G. VCF-style: chr5-77349456-A-G. GRCh37 (hg19) VCF-style: chr5-76645281-A-G.
Other names: c.914A>G, p.His305Arg (NM_001029852.4, NM_001376063.1, NM_001376064.1); c.854A>G, p.His285Arg (NM_001029853.4); c.911A>G, p.His304Arg (NM_001349748.3, NM_001349751.3); c.977A>G, p.His326Arg (NM_001349749.3); c.674A>G, p.His225Arg (NM_001349750.3); c.608A>G, p.His203Arg (NM_001349752.3); c.542A>G, p.His181Arg (NM_001349753.2, NM_001376067.1, NM_001376068.1 and 2 more transcripts); c.611A>G, p.His204Arg (NM_001376062.1, NM_001376072.1); and 10 more; short protein forms H203R, H326R, H225R, H304R, H181R, H184R, H305R, H204R.
Identifiers: ClinVar variation 3670995 (VCV003670995.2).

ClinVar aggregate classification (germline): Uncertain significance (1 of 4 stars; one submission).

gnomAD v4.1: 1 of 1,614,204 alleles (0.000062%); highest among the groups gnomAD compares: African/African-American, 0.0013%; no homozygotes.

Submission:

Labcorp Genetics (formerly Invitae), Labcorp
Classification: Uncertain significance. Last evaluated: 2024-02-03. Review status: criteria provided, single submitter. Criteria: Invitae Variant Classification Sherloc (09022015). Collection method: clinical testing. Allele origin: germline.
Comment: This sequence change replaces histidine, which is basic and polar, with arginine, which is basic and polar, at codon 305 of the PDE8B protein (p.His305Arg). This variant is not present in population databases (gnomAD no frequency). This variant has not been reported in the literature in individuals affected with PDE8B-related conditions. An algorithm developed to predict the effect of missense changes on protein structure and function (PolyPhen-2) suggests that this variant is likely to be tolerated. In summary, the available evidence is currently insufficient to determine the role of this variant in disease. Therefore, it has been classified as a Variant of Uncertain Significance.